The following is an entry in ClinVar:

NM_001042492.3(NF1):c.7528A>G (p.Thr2510Ala)

Gene: NF1 (neurofibromin 1; plus strand). Cytogenetic location: 17q11.2.
Variant type: single nucleotide variant.
Coding change: c.7528A>G on transcript NM_001042492.3 (MANE Select); coding-DNA position 7528, A replaced by G.
Protein change: p.Thr2510Ala; replaces threonine 2510 with alanine.
Molecular consequence: missense variant.
Genome position (GRCh38, 1-based): chr17:31,352,327, A>G. VCF-style: chr17-31352327-A-G. GRCh37 (hg19) VCF-style: chr17-29679345-A-G.
Other names: c.7465A>G, p.Thr2489Ala (NM_000267.4); short protein forms T2489A, T2510A.
Identifiers: ClinVar variation 184948 (VCV000184948.15), dbSNP rs145794301, ClinGen allele CA190557.

ClinVar aggregate classification (germline): Conflicting classifications of pathogenicity. Review status: criteria provided, conflicting classifications (1 of 4 stars). 6 submissions from 5 submitters: Uncertain significance (4); Likely benign (2). Last evaluated 2025-11-11.

Conditions:
Cardiovascular phenotype. Identifiers: MedGen CN230736.
Hereditary cancer-predisposing syndrome. Also called: Tumor predisposition; Hereditary Cancer Syndrome; Hereditary neoplastic syndrome; Neoplastic Syndromes, Hereditary. Identifiers: Orphanet 140162, MedGen C0027672, MeSH D009386, MONDO:0015356.
Neurofibromatosis, familial spinal (FSNF). Identifiers: Orphanet 636, MedGen C1834235, MONDO:0008078, OMIM 162210. Disease mechanism: loss of function.
Neurofibromatosis, type 1 (NF1). Also called: VON RECKLINGHAUSEN DISEASE; NEUROFIBROMATOSIS, TYPE I, SOMATIC; Peripheral type neurofibromatosis; Neurofibromatosis, type I. Identifiers: Orphanet 636, MedGen C0027831, MONDO:0018975, OMIM 162200. Disease mechanism: loss of function.
Neurofibromatosis-Noonan syndrome (NFNS). Also called: NEUROFIBROMATOSIS WITH NOONAN PHENOTYPE. Identifiers: Orphanet 638, MedGen C2931482, MONDO:0011035, OMIM 601321. Disease mechanism: loss of function.
Café-au-lait macules with pulmonary stenosis (WTSN). Also called: PULMONIC STENOSIS WITH CAFE-AU-LAIT SPOTS. Identifiers: MedGen C0553586, MONDO:0008672, OMIM 193520.
Juvenile myelomonocytic leukemia (JMML). Also called: LEUKEMIA, JUVENILE MYELOMONOCYTIC, SOMATIC. Identifiers: Orphanet 86834, MedGen C0349639, MONDO:0011908, OMIM 607785, HP:0012209.

Allele frequency attached by ClinVar (database versions not stated): gnomAD exomes below 0.00001 and 0.00001; ExAC 0.00002; gnomAD 0.00003 and 0.00004; TOPMed 0.00003; ESP Exome Variant Server 0.00008.
gnomAD v4.1: 11 of 1,613,914 alleles (0.00068%); highest among the groups gnomAD compares: African/African-American, 0.0094%; no homozygotes.

Submissions (6):

Labcorp Genetics (formerly Invitae), Labcorp
Classification: Likely benign for Neurofibromatosis, type 1. Last evaluated: 2025-11-11. Review status: criteria provided, single submitter. Criteria: Invitae Variant Classification Sherloc (09022015). Collection method: clinical testing. Allele origin: germline.

Fulgent Genetics
Classification: Uncertain significance for Neurofibromatosis, type 1; Neurofibromatosis, familial spinal; Café-au-lait macules with pulmonary stenosis; Neurofibromatosis-Noonan syndrome; Juvenile myelomonocytic leukemia. Last evaluated: 2024-02-29. Review status: criteria provided, single submitter. Criteria: ACMG Guidelines, 2015. Collection method: clinical testing. Allele origin: germline.

Women's Health and Genetics/Laboratory Corporation of America, LabCorp
Classification: Uncertain significance. Last evaluated: 2023-06-22. Review status: criteria provided, single submitter. Criteria: LabCorp Variant Classification Summary - May 2015. Collection method: clinical testing. Allele origin: germline.

Ambry Genetics
Classification: Likely benign for Cardiovascular phenotype; Hereditary cancer-predisposing syndrome. Last evaluated: 2022-06-24. Review status: criteria provided, single submitter. Criteria: Ambry Variant Classification Scheme 2023. Collection method: clinical testing. Allele origin: germline.

Genome-Nilou Lab
Classification: Uncertain significance for Neurofibromatosis, type 1. Last evaluated: 2022-03-15. Review status: criteria provided, single submitter. Criteria: ACMG Guidelines, 2015. Collection method: clinical testing. Allele origin: germline. Affected: no.

Ambry Genetics
Classification: Uncertain significance for Hereditary cancer-predisposing syndrome. Last evaluated: 2015-08-10. Review status: criteria provided, single submitter. Criteria: Ambry Autosomal Dominant and X-Linked criteria (10/2015). Collection method: clinical testing. Allele origin: germline. Observed: 1 variant allele.
Comment: The p.T2510A variant (also known as c.7528A>G), located in coding exon 51 of the NF1 gene, results from an A to G substitution at nucleotide position 7528. The threonine at codon 2510 is replaced by alanine, an amino acid with similar properties. This variant was previously reported in the SNPDatabase as rs145794301. Based on data from the NHLBI Exome Sequencing Project (ESP), the G allele has an overall frequency of approximately 0.01% (1/13006) total alleles studied, having been observed in 0.02% (1/4406) African American alleles. To date, this alteration has been detected with an allele frequency of approximately 0.01% (greater than 55000 alleles tested) in our clinical cohort. This amino acid position is not well conserved in available vertebrate species. In addition, this alteration is predicted to be tolerated by in silico analysis. Since supporting evidence is limited at this time, the clinical significance of p.T2510A remains unclear.